The following is an entry in ClinVar:

NM_000138.5(FBN1):c.2096G>C (p.Cys699Ser)

Gene: FBN1 (fibrillin 1; minus strand). Cytogenetic location: 15q21.1.
Variant type: single nucleotide variant.
Coding change: c.2096G>C on transcript NM_000138.5 (MANE Select); coding-DNA position 2096, G replaced by C.
Protein change: p.Cys699Ser; replaces cysteine 699 with serine.
Molecular consequence: missense variant.
Genome position (GRCh38, 1-based): chr15:48,503,804, C>G on the plus strand (G>C on the coding strand, the complement: FBN1 is on the minus strand). VCF-style: chr15-48503804-C-G. GRCh37 (hg19) VCF-style: chr15-48796001-C-G.
Other names: short protein forms C699S.
Identifiers: ClinVar variation 854807 (VCV000854807.7), dbSNP rs2043684108, ClinGen allele CA392337963.

ClinVar aggregate classification (germline): Likely pathogenic (1 of 4 stars; one submission).

Conditions:
Familial thoracic aortic aneurysm and aortic dissection (TAAD). Also called: Thoracic aortic aneurysms and dissections. Identifiers: Orphanet 91387, MedGen C4707243, MONDO:0019625.
Marfan syndrome (MFS). Also called: FBN1-Related Marfan Syndrome; Marfan's syndrome; MARFAN SYNDROME, TYPE I; Marfan syndrome type 1; Marfan syndrome, classic. Identifiers: Orphanet 284963, Orphanet 558, MedGen C0024796, MONDO:0007947, OMIM 154700.

Submission:

Labcorp Genetics (formerly Invitae), Labcorp
Classification: Likely pathogenic for Marfan syndrome; Familial thoracic aortic aneurysm and aortic dissection. Last evaluated: 2021-11-07. Review status: criteria provided, single submitter. Criteria: Invitae Variant Classification Sherloc (09022015). Collection method: clinical testing. Allele origin: germline.
Comment: This sequence change replaces cysteine, which is neutral and slightly polar, with serine, which is neutral and polar, at codon 699 of the FBN1 protein (p.Cys699Ser). In summary, the currently available evidence indicates that the variant is pathogenic, but additional data are needed to prove that conclusively. Therefore, this variant has been classified as Likely Pathogenic. This variant disrupts the p.Cys699 amino acid residue in FBN1. Other variant(s) that disrupt this residue have been observed in individuals with FBN1-related conditions (PMID: 16222657), which suggests that this may be a clinically significant amino acid residue. This variant affects a cysteine residue in the EGF-like, TGFBP or hybrid motif domains of FBN1. Cysteine residues are believed to be involved in intramolecular disulfide bridges and have been shown to be important for FBN1 protein structure (PMID: 16905551, 19349279). In addition, missense substitutions affecting cysteine residues within these domains are significantly overrepresented among patients with Marfan syndrome (PMID: 16571647, 17701892). Advanced modeling of protein sequence and biophysical properties (such as structural, functional, and spatial information, amino acid conservation, physicochemical variation, residue mobility, and thermodynamic stability) performed at Invitae indicates that this missense variant is expected to disrupt FBN1 protein function. ClinVar contains an entry for this variant (Variation ID: 854807). This missense change has been observed in individual(s) with FBN1-related disease (PMID: 17679947). This variant is not present in population databases (gnomAD no frequency).

Literature cited by the submitters: PubMed 16222657; PubMed 16905551; PubMed 19349279; PubMed 16571647; PubMed 17701892; PubMed 17679947.